The following is an entry in ClinVar:

NM_000297.4(PKD2):c.2755G>A (p.Asp919Asn)

Gene: PKD2 (polycystin 2, transient receptor potential cation channel; plus strand). Cytogenetic location: 4q22.1.
Variant type: single nucleotide variant.
Coding change: c.2755G>A on transcript NM_000297.4 (MANE Select); coding-DNA position 2755, G replaced by A.
Protein change: p.Asp919Asn; replaces aspartic acid 919 with asparagine.
Molecular consequence: missense variant. On other transcripts: non-coding transcript variant (1).
Genome position (GRCh38, 1-based): chr4:88,075,542, G>A. VCF-style: chr4-88075542-G-A. GRCh37 (hg19) VCF-style: chr4-88996694-G-A.
Other names: short protein forms D919N.
Identifiers: ClinVar variation 1511136 (VCV001511136.10), dbSNP rs370489860, ClinGen allele CA3004354.

ClinVar aggregate classification (germline): Uncertain significance. Review status: criteria provided, multiple submitters, no conflicts (2 of 4 stars). 2 submissions from 2 submitters: Uncertain significance (2). Last evaluated 2025-06-12.

Conditions:
Autosomal dominant polycystic kidney disease. Identifiers: Orphanet 730, MedGen C0085413, MONDO:0004691.
Polycystic kidney disease 2 (PKD2). Also called: POLYCYSTIC KIDNEY DISEASE, ADULT, TYPE II; Polycystic Kidney Disease 2, Autosomal Dominant; POLYCYSTIC KIDNEY DISEASE 2 WITH OR WITHOUT POLYCYSTIC LIVER DISEASE. Identifiers: MedGen C2751306, MONDO:0013131, OMIM 613095.

Allele frequency attached by ClinVar (database versions not stated): gnomAD 0.00002 and 0.00004; ExAC 0.00005; gnomAD exomes 0.00005; TOPMed 0.00005; ESP Exome Variant Server 0.00008; 1000 Genomes Project 30x 0.00016; 1000 Genomes Project 0.00020.
gnomAD v4.1: 79 of 1,614,136 alleles (0.0049%); highest among the groups gnomAD compares: East Asian, 0.078%; no homozygotes.

Submissions (2):

Labcorp Genetics (formerly Invitae), Labcorp
Classification: Uncertain significance for Autosomal dominant polycystic kidney disease. Last evaluated: 2025-06-12. Review status: criteria provided, single submitter. Criteria: Invitae Variant Classification Sherloc (09022015). Collection method: clinical testing. Allele origin: germline.
Comment: This sequence change replaces aspartic acid, which is acidic and polar, with asparagine, which is neutral and polar, at codon 919 of the PKD2 protein (p.Asp919Asn). This variant is present in population databases (rs370489860, gnomAD 0.02%), and has an allele count higher than expected for a pathogenic variant. This missense change has been observed in individual(s) with polycystic kidney disease (PMID: 22863349). ClinVar contains an entry for this variant (Variation ID: 1511136). Invitae Evidence Modeling of protein sequence and biophysical properties (such as structural, functional, and spatial information, amino acid conservation, physicochemical variation, residue mobility, and thermodynamic stability) indicates that this missense variant is not expected to disrupt PKD2 protein function with a negative predictive value of 80%. In summary, the available evidence is currently insufficient to determine the role of this variant in disease. Therefore, it has been classified as a Variant of Uncertain Significance.

Fulgent Genetics
Classification: Uncertain significance for Polycystic kidney disease 2. Last evaluated: 2024-03-29. Review status: criteria provided, single submitter. Criteria: ACMG Guidelines, 2015. Collection method: clinical testing. Allele origin: germline.

Literature cited by the submitters: PubMed 22863349 (cited by Labcorp Genetics (formerly Invitae), Labcorp).